The following is an entry in ClinVar:

ClinVar aggregate classification (germline): Uncertain significance (1 of 4 stars; one submission).

Allele frequency attached by ClinVar (database versions not stated): ExAC 0.00001; 1000 Genomes Project 30x 0.00031.
gnomAD v4.1: 25 of 1,604,606 alleles (0.0016%); highest among the groups gnomAD compares: Middle Eastern, 0.017%; no homozygotes.

Submission:

GeneDx
Classification: Uncertain significance. Last evaluated: 2023-02-10. Review status: criteria provided, single submitter. Criteria: GeneDx Variant Classification Process June 2021. Collection method: clinical testing. Allele origin: germline. Affected: yes.
Comment: In silico analysis supports that this missense variant does not alter protein structure/function; Has not been previously published as pathogenic or benign to our knowledge

NM_018896.5(CACNA1G):c.3182C>T (p.Ala1061Val)

Gene: CACNA1G (calcium voltage-gated channel subunit alpha1 G; plus strand). Cytogenetic location: 17q21.33.
Variant type: single nucleotide variant.
Coding change: c.3182C>T on transcript NM_018896.5 (MANE Select); coding-DNA position 3182, C replaced by T.
Protein change: p.Ala1061Val; replaces alanine 1061 with valine.
Molecular consequence: missense variant. On other transcripts: non-coding transcript variant (5).
Genome position (GRCh38, 1-based): chr17:50,596,847, C>T. VCF-style: chr17-50596847-C-T. GRCh37 (hg19) VCF-style: chr17-48674208-C-T.
Other names: c.3182C>T, p.Ala1061Val (NM_001256324.2, NM_001256325.2, NM_001256326.2 and 16 more transcripts); c.3113C>T, p.Ala1038Val (NM_001256332.2, NM_198376.3, NM_198379.3 and 5 more transcripts); short protein forms A1038V, A1061V.
Identifiers: ClinVar variation 2575586 (VCV002575586.1), dbSNP rs781015006, ClinGen allele CA8652651.